The following is an entry in ClinVar:

NM_000548.5(TSC2):c.4102G>T (p.Gly1368Cys)

Gene: TSC2 (TSC complex subunit 2; plus strand). Cytogenetic location: 16p13.3.
Variant type: single nucleotide variant.
Coding change: c.4102G>T on transcript NM_000548.5 (MANE Select); coding-DNA position 4102, G replaced by T.
Protein change: p.Gly1368Cys; replaces glycine 1368 with cysteine.
Molecular consequence: missense variant. On other transcripts: non-coding transcript variant (5).
Genome position (GRCh38, 1-based): chr16:2,084,324, G>T. VCF-style: chr16-2084324-G-T. GRCh37 (hg19) VCF-style: chr16-2134325-G-T.
Other names: c.3301G>T, p.Gly1101Cys (NM_001406687.1, NM_001406688.1); c.2689G>T, p.Gly897Cys (NM_001406689.1); c.2629G>T, p.Gly877Cys (NM_001406690.1); c.2626G>T, p.Gly876Cys (NM_001406691.1); c.2560G>T, p.Gly854Cys (NM_001406692.1, NM_001406693.1, NM_001406694.1); c.2557G>T, p.Gly853Cys (NM_001406695.1, NM_001406696.1, NM_001406697.1); c.3793G>T, p.Gly1265Cys (NM_001318827.2); c.3757G>T, p.Gly1253Cys (NM_001318829.2); and 26 more; short protein forms G1102C, G1265C, G1295C, G1302C, G1325C, G1367C, G767C, G853C.
Identifiers: ClinVar variation 5031337 (VCV005031337.1).

ClinVar aggregate classification (germline): Uncertain significance (1 of 4 stars; one submission).

Conditions:
Hereditary cancer-predisposing syndrome. Also called: Neoplastic Syndromes, Hereditary; Tumor predisposition; Hereditary neoplastic syndrome; Hereditary Cancer Syndrome. Identifiers: Orphanet 140162, MedGen C0027672, MeSH D009386, MONDO:0015356.

Submission:

Ambry Genetics
Classification: Uncertain significance for Hereditary cancer-predisposing syndrome. Last evaluated: 2026-07-06. Review status: criteria provided, single submitter. Criteria: Ambry Variant Classification Scheme 2023. Collection method: clinical testing. Allele origin: germline.
Comment: The p.G1368C variant (also known as c.4102G>T), located in coding exon 33 of the TSC2 gene, results from a G to T substitution at nucleotide position 4102. The glycine at codon 1368 is replaced by cysteine, an amino acid with highly dissimilar properties. This amino acid position is conserved. In addition, the in silico prediction for this alteration is inconclusive. Based on the available evidence, the clinical significance of this variant remains unclear.